The following is an entry in ClinVar:

ClinVar aggregate classification (germline): Likely benign. Review status: criteria provided, multiple submitters, no conflicts (2 of 4 stars). 2 submissions from 2 submitters: Likely benign (2). Last evaluated 2025-07-14.

gnomAD v4.1: 5 of 1,600,196 alleles (0.00031%); highest among the groups gnomAD compares: South Asian, 0.0022%; no homozygotes.

Submissions (2):

Labcorp Genetics (formerly Invitae), Labcorp
Classification: Likely benign. Last evaluated: 2025-07-14. Review status: criteria provided, single submitter. Criteria: Invitae Variant Classification Sherloc (09022015). Collection method: clinical testing. Allele origin: germline.

CeGaT Center for Human Genetics Tuebingen
Classification: Likely benign. Last evaluated: 2023-10-01. Review status: criteria provided, single submitter. Criteria: CeGaT Center For Human Genetics Tuebingen Variant Classification Criteria Version 2. Collection method: clinical testing. Allele origin: germline. Affected: yes. Observed: 1 variant allele.
Comment: SRCAP: PM2:Supporting, BP4, BP7

NM_006662.3(SRCAP):c.3249C>A (p.Pro1083=)

Gene: SRCAP (Snf2 related CREBBP activator protein; plus strand). Cytogenetic location: 16p11.2.
Variant type: single nucleotide variant.
Coding change: c.3249C>A on transcript NM_006662.3 (MANE Select); coding-DNA position 3249, C replaced by A.
Protein change: p.Pro1083=; no amino-acid change (proline 1083 retained).
Molecular consequence: synonymous variant.
Genome position (GRCh38, 1-based): chr16:30,720,974, C>A. VCF-style: chr16-30720974-C-A. GRCh37 (hg19) VCF-style: chr16-30732295-C-A.
Identifiers: ClinVar variation 1580668 (VCV001580668.32), dbSNP rs1377055797, ClinGen allele CA494908770.